The following is an entry in ClinVar:

ClinVar aggregate classification (germline): Uncertain significance (1 of 4 stars; one submission).

Conditions:
Charcot-Marie-Tooth disease axonal type 2F (CMT2F). Also called: CHARCOT-MARIE-TOOTH DISEASE, NEURONAL, TYPE 2F; Charcot-Marie-Tooth Neuropathy Type 2F. Identifiers: Orphanet 99940, MedGen C1847823, MONDO:0011687, OMIM 606595.

Allele frequency attached by ClinVar (database versions not stated): ExAC 0.00001; gnomAD 0.00001.

Submission:

Labcorp Genetics (formerly Invitae), Labcorp
Classification: Uncertain significance for Charcot-Marie-Tooth disease axonal type 2F. Last evaluated: 2024-12-08. Review status: criteria provided, single submitter. Criteria: Invitae Variant Classification Sherloc (09022015). Collection method: clinical testing. Allele origin: germline.
Comment: This sequence change replaces alanine, which is neutral and non-polar, with aspartic acid, which is acidic and polar, at codon 32 of the HSPB1 protein (p.Ala32Asp). The frequency data for this variant in the population databases is considered unreliable, as metrics indicate poor data quality at this position in the gnomAD database. This variant has not been reported in the literature in individuals affected with HSPB1-related conditions. ClinVar contains an entry for this variant (Variation ID: 2786447). Invitae Evidence Modeling of protein sequence and biophysical properties (such as structural, functional, and spatial information, amino acid conservation, physicochemical variation, residue mobility, and thermodynamic stability) indicates that this missense variant is not expected to disrupt HSPB1 protein function with a negative predictive value of 95%. In summary, the available evidence is currently insufficient to determine the role of this variant in disease. Therefore, it has been classified as a Variant of Uncertain Significance.

NM_001540.5(HSPB1):c.95C>A (p.Ala32Asp)

Gene: HSPB1 (heat shock protein family B (small) member 1; plus strand). Cytogenetic location: 7q11.23.
Variant type: single nucleotide variant.
Coding change: c.95C>A on transcript NM_001540.5 (MANE Select); coding-DNA position 95, C replaced by A.
Protein change: p.Ala32Asp; replaces alanine 32 with aspartic acid.
Molecular consequence: missense variant.
Genome position (GRCh38, 1-based): chr7:76,302,807, C>A. VCF-style: chr7-76302807-C-A. GRCh37 (hg19) VCF-style: chr7-75932124-C-A.
Other names: short protein forms A32D.
Identifiers: ClinVar variation 2786447 (VCV002786447.3), dbSNP rs777261210, ClinGen allele CA4306255.